The following is an entry in ClinVar:

ClinVar aggregate classification (germline): Pathogenic. Review status: criteria provided, multiple submitters, no conflicts (2 of 4 stars). 2 submissions from 2 submitters: Pathogenic (2). Last evaluated 2020-02-11.

Conditions:
Multiple endocrine neoplasia, type 1 (MEN1). Also called: MEN I; WERMER SYNDROME; Endocrine adenomatosis multiple; MEN 1; MEA I. Identifiers: Orphanet 652, MedGen C0025267, MeSH D018761, MONDO:0007540, OMIM 131100.

Submissions (2):

GeneDx
Classification: Pathogenic. Last evaluated: 2020-02-11. Review status: criteria provided, single submitter. Criteria: GeneDx Variant Classification Process June 2021. Collection method: clinical testing. Allele origin: germline. Affected: yes.
Comment: Frameshift variant predicted to result in protein truncation in a gene for which loss-of-function is a known mechanism of disease; Not observed in large population cohorts (Lek 2016); Also known as c.1666delC; This variant is associated with the following publications: (PMID: 9888389, 17879353)

Labcorp Genetics (formerly Invitae), Labcorp
Classification: Pathogenic for Multiple endocrine neoplasia, type 1. Last evaluated: 2018-04-07. Review status: criteria provided, single submitter. Criteria: Invitae Variant Classification Sherloc (09022015). Collection method: clinical testing. Allele origin: germline.
Comment: For these reasons, this variant has been classified as Pathogenic. This frameshift change truncates the functionally conserved NLS2 domain of the MEN1 protein. Experimental studies have shown that disruption of this region abrogates the ability of MEN1 to bind DNA, regulate target gene expression, and inhibit cell proliferation (PMID: 15331604, 16449969). In addition, a different truncation (p.Lys559Glufs*38) that lies downstream of this variant has been determined to be pathogenic (PMID: 10090472, 15331604, 16449969, Invitae). This suggests that deletion of this region of the MEN1 protein is causative of disease. This variant has been reported in an individual affected with multiple endocrine neoplasia type 1 (PMID: 9888389). This variant is also known as c.1666delC in the literature. This sequence change results in a premature translational stop signal in the MEN1 gene (p.Pro519Leufs*40). While this is not anticipated to result in nonsense mediated decay, it is expected to disrupt the last 92 amino acids of the MEN1 protein. This variant is not present in population databases (ExAC no frequency).

Literature cited by the submitters: PubMed 15331604 (cited by Labcorp Genetics (formerly Invitae), Labcorp); PubMed 16449969 (cited by Labcorp Genetics (formerly Invitae), Labcorp); PubMed 10090472 (cited by Labcorp Genetics (formerly Invitae), Labcorp); PubMed 9888389 (cited by Labcorp Genetics (formerly Invitae), Labcorp).

NM_001370259.2(MEN1):c.1556del (p.Pro519fs)

Gene: MEN1 (menin 1; minus strand). Cytogenetic location: 11q13.1.
Variant type: Deletion.
Coding change: c.1556del on transcript NM_001370259.2 (MANE Select); coding-DNA position 1556, one base deleted (C; older notation c.1556delC).
Protein change: p.Pro519fs; shifts the reading frame from proline 519.
Molecular consequence: frameshift variant.
Genome position (GRCh38, 1-based): chr11:64,804,611, G deleted on the plus strand (C on the coding strand, the reverse complement: MEN1 is on the minus strand); the first of 2 consecutive G bases (chr11:64,804,611-64,804,612); deleting either gives the same sequence. VCF-style (leftmost placement, unchanged base first): chr11-64804610-AG-A. GRCh37 (hg19) VCF-style: chr11-64572082-AG-A.
Other names: c.1556delC (NM_130799.2); c.1571del, p.Pro524fs (NM_000244.4, NM_130800.3, NM_130801.3 and 3 more transcripts); c.1682del, p.Pro561fs (NM_001370251.2); c.1556del, p.Pro519fs (NM_001370260.2, NM_001370261.2, NM_130799.3); c.1451del, p.Pro484fs (NM_001370262.2, NM_001370263.2); short protein forms P484fs, P519fs, P524fs, P561fs.
Identifiers: ClinVar variation 1072112 (VCV001072112.13), dbSNP rs2136084930, ClinGen allele CA2499221140.